The following is an entry in ClinVar:

ClinVar aggregate classification (germline): Uncertain significance (1 of 4 stars; one submission).

Conditions:
Alzheimer disease. Also called: Alzheimer's disease; Presenile and senile dementia. Identifiers: Orphanet 1020, MedGen C0002395, MeSH D000544, MONDO:0004975, HP:0002511.

Allele frequency attached by ClinVar (database versions not stated): gnomAD exomes below 0.00001; TOPMed below 0.00001.
gnomAD v4.1: 1 of 1,613,992 alleles (0.000062%); highest among the groups gnomAD compares: South Asian, 0.0011%; no homozygotes.

Submission:

Labcorp Genetics (formerly Invitae), Labcorp
Classification: Uncertain significance for Alzheimer disease. Last evaluated: 2018-12-05. Review status: criteria provided, single submitter. Criteria: Invitae Variant Classification Sherloc (09022015). Collection method: clinical testing. Allele origin: germline.
Comment: In summary, the available evidence is currently insufficient to determine the role of this variant in disease. Therefore, it has been classified as a Variant of Uncertain Significance. Algorithms developed to predict the effect of missense changes on protein structure and function are either unavailable or do not agree on the potential impact of this missense change (SIFT: "Deleterious"; PolyPhen-2: "Probably Damaging"; Align-GVGD: "Class C0"). This variant has not been reported in the literature in individuals with APP-related conditions. This variant is not present in population databases (ExAC no frequency). This sequence change replaces aspartic acid with valine at codon 427 of the APP protein (p.Asp427Val). The aspartic acid residue is highly conserved and there is a large physicochemical difference between aspartic acid and valine.

NM_000484.4(APP):c.1280A>T (p.Asp427Val)

Gene: APP (amyloid beta precursor protein; minus strand). Cytogenetic location: 21q21.3.
Variant type: single nucleotide variant.
Coding change: c.1280A>T on transcript NM_000484.4 (MANE Select); coding-DNA position 1280, A replaced by T.
Protein change: p.Asp427Val; replaces aspartic acid 427 with valine.
Molecular consequence: missense variant.
Genome position (GRCh38, 1-based): chr21:25,975,973, T>A on the plus strand (A>T on the coding strand, the complement: APP is on the minus strand). VCF-style: chr21-25975973-T-A. GRCh37 (hg19) VCF-style: chr21-27348286-T-A.
Other names: c.1208A>T, p.Asp403Val (NM_001136016.3); c.887A>T, p.Asp296Val (NM_001136129.3); c.1112A>T, p.Asp371Val (NM_001136130.3, NM_001385253.1); c.950A>T, p.Asp317Val (NM_001136131.3); c.1280A>T, p.Asp427Val (NM_001204301.2); c.1223A>T, p.Asp408Val (NM_001204302.2, NM_201413.3); c.1055A>T, p.Asp352Val (NM_001204303.2, NM_201414.3); short protein forms D296V, D352V, D408V, D317V, D371V, D403V, D427V.
Identifiers: ClinVar variation 649787 (VCV000649787.9), dbSNP rs1358953437, ClinGen allele CA409809803.